The following is an entry in ClinVar:

ClinVar aggregate classification (germline): Uncertain significance. Review status: criteria provided, multiple submitters, no conflicts (2 of 4 stars). 2 submissions from 2 submitters: Uncertain significance (2). Last evaluated 2024-12-01.

Conditions:
Multiple endocrine neoplasia type 4. Also called: MULTIPLE ENDOCRINE NEOPLASIA, TYPE IV. Identifiers: Orphanet 276152, MedGen C1970712, MONDO:0012552, OMIM 610755.
Hereditary cancer-predisposing syndrome. Also called: Tumor predisposition; Hereditary neoplastic syndrome; Neoplastic Syndromes, Hereditary; Hereditary Cancer Syndrome. Identifiers: Orphanet 140162, MedGen C0027672, MeSH D009386, MONDO:0015356.

Allele frequency attached by ClinVar (database versions not stated): gnomAD exomes below 0.00001.

Submissions (2):

Ambry Genetics
Classification: Uncertain significance for Hereditary cancer-predisposing syndrome. Last evaluated: 2024-12-01. Review status: criteria provided, single submitter. Criteria: Ambry Variant Classification Scheme 2023. Collection method: clinical testing. Allele origin: germline.
Comment: The p.N3K variant (also known as c.9C>A), located in coding exon 1 of the CDKN1B gene, results from a C to A substitution at nucleotide position 9. The asparagine at codon 3 is replaced by lysine, an amino acid with similar properties. This amino acid position is conserved. In addition, this alteration is predicted to be tolerated by in silico analysis. Based on the available evidence, the clinical significance of this variant remains unclear.

Labcorp Genetics (formerly Invitae), Labcorp
Classification: Uncertain significance for Multiple endocrine neoplasia type 4. Last evaluated: 2022-09-14. Review status: criteria provided, single submitter. Criteria: Invitae Variant Classification Sherloc (09022015). Collection method: clinical testing. Allele origin: germline.
Comment: Algorithms developed to predict the effect of missense changes on protein structure and function are either unavailable or do not agree on the potential impact of this missense change (SIFT: "Deleterious"; PolyPhen-2: "Benign"; Align-GVGD: "Class C65"). This sequence change replaces asparagine, which is neutral and polar, with lysine, which is basic and polar, at codon 3 of the CDKN1B protein (p.Asn3Lys). This variant is present in population databases (no rsID available, gnomAD 0.006%). This variant has not been reported in the literature in individuals affected with CDKN1B-related conditions. ClinVar contains an entry for this variant (Variation ID: 1506536). In summary, the available evidence is currently insufficient to determine the role of this variant in disease. Therefore, it has been classified as a Variant of Uncertain Significance.

NM_004064.5(CDKN1B):c.9C>A (p.Asn3Lys)

Gene: CDKN1B (cyclin dependent kinase inhibitor 1B; plus strand). Cytogenetic location: 12p13.1.
Variant type: single nucleotide variant.
Coding change: c.9C>A on transcript NM_004064.5 (MANE Select); coding-DNA position 9, C replaced by A.
Protein change: p.Asn3Lys; replaces asparagine 3 with lysine.
Molecular consequence: missense variant.
Genome position (GRCh38, 1-based): chr12:12,717,848, C>A. VCF-style: chr12-12717848-C-A. GRCh37 (hg19) VCF-style: chr12-12870782-C-A.
Other names: c.9C>A (NM_004064.3); short protein forms N3K.
Identifiers: ClinVar variation 1506536 (VCV001506536.7), dbSNP rs1411622351, ClinGen allele CA383967882.